The following is an entry in ClinVar:

NM_001378615.1(CC2D2A):c.2534T>C (p.Leu845Pro)

Genes: CC2D2A (coiled-coil and C2 domain containing 2A; plus strand), FBXL5 (F-box and leucine rich repeat protein 5; minus strand). Cytogenetic location: 4p15.32.
Variant type: single nucleotide variant.
Coding change: c.2534T>C on transcript NM_001378615.1 (MANE Select); coding-DNA position 2534, T replaced by C.
Protein change: p.Leu845Pro; replaces leucine 845 with proline.
Molecular consequence: missense variant.
Genome position (GRCh38, 1-based): chr4:15,555,119, T>C. VCF-style: chr4-15555119-T-C. GRCh37 (hg19) VCF-style: chr4-15556742-T-C.
Other names: c.2534T>C, p.Leu845Pro (NM_001080522.2); c.2387T>C, p.Leu796Pro (NM_001378617.1); short protein forms L845P, L796P.
Identifiers: ClinVar variation 1379813 (VCV001379813.6), dbSNP rs1481526699, ClinGen allele CA356420289.

ClinVar aggregate classification (germline): Uncertain significance (1 of 4 stars; one submission).

Conditions:
Joubert syndrome. Also called: JOUBERT-BOLTSHAUSER SYNDROME; Familial aplasia of the vermis. Identifiers: Orphanet 475, MedGen C5979921, MONDO:0018772.
Meckel-Gruber syndrome. Also called: DYSENCEPHALIA SPLANCHNOCYSTICA; GRUBER SYNDROME; Dysencephalia splachnocystica. Identifiers: Orphanet 564, MedGen C0265215, MONDO:0018921.

Allele frequency attached by ClinVar (database versions not stated): gnomAD exomes 0.00001.
gnomAD v4.1: 2 of 1,613,864 alleles (0.00012%); highest among the groups gnomAD compares: East Asian, 0.0022%; no homozygotes.

Submission:

Labcorp Genetics (formerly Invitae), Labcorp
Classification: Uncertain significance for Joubert syndrome; Meckel-Gruber syndrome. Last evaluated: 2021-09-05. Review status: criteria provided, single submitter. Criteria: Invitae Variant Classification Sherloc (09022015). Collection method: clinical testing. Allele origin: germline.
Comment: This sequence change replaces leucine with proline at codon 845 of the CC2D2A protein (p.Leu845Pro). The leucine residue is moderately conserved and there is a moderate physicochemical difference between leucine and proline. This variant is not present in population databases (ExAC no frequency). This variant has not been reported in the literature in individuals affected with CC2D2A-related conditions. Advanced modeling of protein sequence and biophysical properties (such as structural, functional, and spatial information, amino acid conservation, physicochemical variation, residue mobility, and thermodynamic stability) performed at Invitae indicates that this missense variant is expected to disrupt CC2D2A protein function. In summary, the available evidence is currently insufficient to determine the role of this variant in disease. Therefore, it has been classified as a Variant of Uncertain Significance.